The following is an entry in ClinVar:

ClinVar aggregate classification (germline): Pathogenic/Likely pathogenic. Review status: criteria provided, multiple submitters, no conflicts (2 of 4 stars). 3 submissions from 3 submitters: Pathogenic (1); Likely pathogenic (1). 1 of the submissions does not count toward it. Last evaluated 2023-09-21.

Conditions:
Biotinidase deficiency. Also called: Biotin deficiency; BTD deficiency; Late-onset biotin-responsive multiple carboxylase deficiency. Identifiers: Orphanet 79241, MedGen C0220754, MONDO:0009665, OMIM 253260.

Submissions (3):

Labcorp Genetics (formerly Invitae), Labcorp
Classification: Pathogenic for Biotinidase deficiency. Last evaluated: 2023-09-21. Review status: criteria provided, single submitter. Criteria: Invitae Variant Classification Sherloc (09022015). Collection method: clinical testing. Allele origin: germline.
Comment: This sequence change creates a premature translational stop signal (p.Gly41Profs*12) in the BTD gene. It is expected to result in an absent or disrupted protein product. Loss-of-function variants in BTD are known to be pathogenic (PMID: 20083419). This variant is not present in population databases (gnomAD no frequency). This variant has not been reported in the literature in individuals affected with BTD-related conditions. ClinVar contains an entry for this variant (Variation ID: 1075658). For these reasons, this variant has been classified as Pathogenic.

Juno Genomics, Hangzhou Juno Genomics, Inc
Classification: Likely pathogenic for Biotinidase deficiency. Review status: criteria provided, single submitter. Criteria: ACMG Guidelines, 2015. Collection method: clinical testing. Allele origin: germline.
Comment: Absent from controls (or at extremely low frequency if recessive) in Genome Aggregation Database.;Null variant in a gene where loss of function (LOF) is a known mechanism of disease.

Natera, Inc.
Classification: Likely pathogenic for Biotinidase deficiency. Last evaluated: 2022-02-16. Review status: no assertion criteria provided. Collection method: clinical testing. Allele origin: germline. Not counted in ClinVar's aggregate classification.

Literature cited by the submitters: PubMed 20083419 (cited by Labcorp Genetics (formerly Invitae), Labcorp).

NM_001370658.1(BTD):c.56_59dup (p.Gly21fs)

Gene: BTD (biotinidase; plus strand). Cytogenetic location: 3p25.1.
Variant type: Duplication.
Coding change: c.56_59dup on transcript NM_001370658.1 (MANE Select); coding-DNA positions 56 to 59, 4 bases duplicated (CCCT; older notation c.56_59dupCCCT).
Protein change: p.Gly21fs; shifts the reading frame from glycine 21.
Molecular consequence: frameshift variant.
Genome position (GRCh38, 1-based): chr3:15,635,495-15,635,498, CCCT duplicated. VCF-style (leftmost placement, unchanged base first): chr3-15635494-G-GCCCT. GRCh37 (hg19) VCF-style: chr3-15677001-G-GCCCT.
Other names: c.116_119dup, p.Gly41Profs (NM_000060.4); c.56_59dup, p.Gly21Profs (NM_001281723.4, NM_001281725.3, NM_001281726.3 and 34 more transcripts); c.56_59dup, p.Gly21fs (NM_001281724.3, NM_001370752.1, NM_001370753.1); short protein forms G21fs.
Identifiers: ClinVar variation 1075658 (VCV001075658.12), dbSNP rs2125453296, ClinGen allele CA2499216563.
Genomic context (GRCh38, chr3:15,635,494, plus strand): 5'-TGCATTATGTCTGGAGCCAGAAGTAAGCTTGCTCTTTTCCTCTGCGGCTGTTACGTGGTT[G>GCCCT]CCCTGGGAGCCCACACCGGGGAGGAGAGCGTGGCTGACCATCACGAGGCTGAATATTATG-3'